The following is an entry in ClinVar:

NM_003587.5(DHX16):c.1855-3C>A

Gene: DHX16 (DEAH-box helicase 16; minus strand). Cytogenetic location: 6p21.33.
Variant type: single nucleotide variant.
Coding change: c.1855-3C>A on transcript NM_003587.5 (MANE Select); 3 bases into the intron before coding-DNA position 1855, C replaced by A.
Molecular consequence: intron variant.
Genome position (GRCh38, 1-based): chr6:30,659,627, G>T on the plus strand (C>A on the coding strand, the complement: DHX16 is on the minus strand). VCF-style: chr6-30659627-G-T. GRCh37 (hg19) VCF-style: chr6-30627404-G-T.
Other names: c.1675-3C>A (NM_001164239.2); c.412-3C>A (NM_001363515.2).
Identifiers: ClinVar variation 3338970 (VCV003338970.1).

ClinVar aggregate classification (germline): Uncertain significance (1 of 4 stars; one submission).

Submission:

Women's Health and Genetics/Laboratory Corporation of America, LabCorp
Classification: Uncertain significance. Last evaluated: 2024-07-10. Review status: criteria provided, single submitter. Criteria: LabCorp Variant Classification Summary - May 2015. Collection method: clinical testing. Allele origin: germline.
Comment: Variant summary: DHX16 c.1855-3C>A alters a nucleotide located close to a canonical splice site and therefore could affect mRNA splicing, leading to a significantly altered protein sequence. Several computational tools predict a significant impact on normal splicing: Three predict the variant weakens a 3' acceptor site. One predict the variant abolishes a 3' acceptor site. However, these predictions have yet to be confirmed by functional studies. The variant was absent in 250282 control chromosomes. The available data on variant occurrences in the general population are insufficient to allow any conclusion about variant significance. To our knowledge, no occurrence of c.1855-3C>A in individuals affected with Neuromuscular Disease And Ocular Or Auditory Anomalies With Or Without Seizures and no experimental evidence demonstrating its impact on protein function have been reported. No submitters have cited clinical-significance assessments for this variant to ClinVar. Based on the evidence outlined above, the variant was classified as uncertain significance.